The following is an entry in ClinVar:

NM_004366.6(CLCN2):c.704G>A (p.Arg235Gln)

Gene: CLCN2 (chloride voltage-gated channel 2; minus strand). Cytogenetic location: 3q27.1.
Variant type: single nucleotide variant.
Coding change: c.704G>A on transcript NM_004366.6 (MANE Select); coding-DNA position 704, G replaced by A.
Protein change: p.Arg235Gln; replaces arginine 235 with glutamine.
Molecular consequence: missense variant.
Genome position (GRCh38, 1-based): chr3:184,357,688, C>T on the plus strand (G>A on the coding strand, the complement: CLCN2 is on the minus strand). VCF-style: chr3-184357688-C-T. GRCh37 (hg19) VCF-style: chr3-184075476-C-T.
Other names: c.704G>A, p.Arg235Gln (NM_001171087.3, NM_001171089.3); c.572G>A, p.Arg191Gln (NM_001171088.3); short protein forms R235Q, R191Q.
Identifiers: ClinVar variation 9038 (VCV000009038.36), dbSNP rs71318369, ClinGen allele CA120066.

ClinVar aggregate classification (germline): Conflicting classifications of pathogenicity. Review status: criteria provided, conflicting classifications (1 of 4 stars). 14 submissions from 14 submitters: Uncertain significance (8); Likely benign (3). 3 of the submissions do not count toward it. Last evaluated 2026-01-19.

Conditions:
Leukoencephalopathy with mild cerebellar ataxia and white matter edema (LKPAT). Also called: Leukoencephalopathy with white matter edema; Brain white matter edema; CLCN2-Related Leukoencephalopathy; Leukoencephalopathy with ataxia. Identifiers: Orphanet 363540, MedGen C4554120, MONDO:0014292, OMIM 615651. Disease mechanism: loss of function.
Familial hyperaldosteronism type II. Also called: FH II. Identifiers: Orphanet 404, MedGen C1854107, MONDO:0011576, OMIM 605635.
Epilepsy, idiopathic generalized, susceptibility to, 11 (EIG11). Identifiers: Orphanet 307, MedGen C2750893, MONDO:0011875, OMIM 607628.
CLCN2-related disorder. Also called: CLCN2-related disorders; CLCN2-related condition.
EPILEPSY, JUVENILE MYOCLONIC, SUSCEPTIBILITY TO, 8 (EJM8). Identifiers: MedGen C2750894, OMIM 607628.

Allele frequency attached by ClinVar (database versions not stated): 1000 Genomes Project 0.00040; ExAC 0.00101; TOPMed 0.00090; gnomAD exomes 0.00140 and 0.00112; 1000 Genomes Project 30x 0.00047; gnomAD 0.00107 and 0.00108.
gnomAD v4.1: 2,204 of 1,614,112 alleles (0.14%); highest among the groups gnomAD compares: Non-Finnish European, 0.15%; 2 homozygotes.

Submissions (14):

Labcorp Genetics (formerly Invitae), Labcorp
Classification: Likely benign. Last evaluated: 2026-01-19. Review status: criteria provided, single submitter. Criteria: Invitae Variant Classification Sherloc (09022015). Collection method: clinical testing. Allele origin: germline.

CeGaT Center for Human Genetics Tuebingen
Classification: Likely benign. Last evaluated: 2026-01-01. Review status: criteria provided, single submitter. Criteria: CeGaT Center For Human Genetics Tuebingen Variant Classification Criteria Version 2. Collection method: clinical testing. Allele origin: germline. Affected: yes. Observed: 2 variant alleles.
Comment: CLCN2: BS2

PreventionGenetics, part of Exact Sciences
Classification: Uncertain significance for CLCN2-related condition. Last evaluated: 2025-08-08. Review status: criteria provided, single submitter. Criteria: ACMG Guidelines, 2015. Collection method: clinical testing. Allele origin: germline.
Comment: The CLCN2 c.704G>A variant is predicted to result in the amino acid substitution p.Arg235Gln. This variant has been reported in two siblings with juvenile myoclonic epilepsy (JME), inherited from an unaffected parent (Saint-Martin et al. 2009. PubMed ID: 19191339), and in an individual with autosomal recessive CLCN2-related leukoencephalopathy (Adam et al. 1993. PubMed ID: 26539602). This variant is reported in 0.25% of alleles in individuals of European (Finnish) descent in gnomAD, which may be too frequent to be a primary cause of disease. Although we suspect this variant may be benign, at this time, the clinical significance of this variant is uncertain due to the absence of conclusive functional and genetic evidence.

Mayo Clinic Laboratories, Mayo Clinic
Classification: Uncertain significance. Last evaluated: 2025-03-19. Review status: criteria provided, single submitter. Criteria: ACMG Guidelines, 2015. Collection method: clinical testing. Allele origin: germline. Observed: 2 variant alleles.
Comment: BS1, PP3

Women's Health and Genetics/Laboratory Corporation of America, LabCorp
Classification: Likely benign. Last evaluated: 2025-01-03. Review status: criteria provided, single submitter. Criteria: LabCorp Variant Classification Summary - May 2015. Collection method: clinical testing. Allele origin: germline.
Comment: Variant summary: CLCN2 c.704G>A (p.Arg235Gln) results in a conservative amino acid change in the encoded protein sequence. Four of five in-silico tools predict a damaging effect of the variant on protein function. The variant allele was found at a frequency of 0.0014 in 1614112 control chromosomes (including two homozygotes), predominantly at a frequency of 0.0025 within the Non-Finnish European subpopulation in the gnomAD v4 database. The observed variant frequency within Non-Finnish European control individuals in the gnomAD database exceeds the estimated maximal expected allele frequency for a pathogenic variant in CLCN2 causing CLCN2-Related Disorders phenotype. ClinVar contains an entry for this variant (Variation ID: 9038). Based on the evidence outlined above, the variant was classified as likely benign.

Blueprint Genetics
Classification: Uncertain significance. Last evaluated: 2024-10-07. Review status: criteria provided, single submitter. Criteria: ACMG Guidelines, 2015. Collection method: clinical testing. Allele origin: germline.

Mendelics
Classification: Uncertain significance for Leukoencephalopathy with mild cerebellar ataxia and white matter edema. Last evaluated: 2019-05-28. Review status: criteria provided, single submitter. Criteria: Mendelics Assertion Criteria 2017. Collection method: clinical testing. Allele origin: unknown.

Fulgent Genetics
Classification: Uncertain significance for Familial hyperaldosteronism type II; Epilepsy, idiopathic generalized, susceptibility to, 11; Leukoencephalopathy with mild cerebellar ataxia and white matter edema. Last evaluated: 2018-10-31. Review status: criteria provided, single submitter. Criteria: ACMG Guidelines, 2015. Collection method: clinical testing. Allele origin: unknown.

Baylor Genetics
Classification: Uncertain significance for Leukoencephalopathy with mild cerebellar ataxia and white matter edema. Last evaluated: 2018-04-11. Review status: criteria provided, single submitter. Criteria: ACMG Guidelines, 2015. Collection method: clinical testing. Allele origin: maternal. Affected: yes.
Comment: This variant was determined to be of uncertain significance according to ACMG Guidelines, 2015 [PMID:25741868].

Center for Pediatric Genomic Medicine, Children's Mercy Hospital and Clinics
Classification: Uncertain significance. Last evaluated: 2017-07-26. Review status: criteria provided, single submitter. Criteria: ACMG Guidelines, 2015. Collection method: clinical testing. Allele origin: germline.

Soonchunhyang University Bucheon Hospital, Soonchunhyang University Medical Center
Classification: Uncertain significance for Epilepsy, idiopathic generalized, susceptibility to, 11. Last evaluated: 2016-03-18. Review status: criteria provided, single submitter. Criteria: ACMG Guidelines, 2015. Collection method: reference population. Allele origin: germline. Observed: 1 variant allele.

OMIM
Classification: risk factor for EPILEPSY, JUVENILE MYOCLONIC, SUSCEPTIBILITY TO, 8. Last evaluated: 2009-03-01. Review status: no assertion criteria provided. Collection method: literature only. Allele origin: germline. Not counted in ClinVar's aggregate classification.

Clinical Genetics DNA and cytogenetics Diagnostics Lab, Erasmus MC, Erasmus Medical Center
Classification: Uncertain significance. Review status: no assertion criteria provided. Collection method: clinical testing. Allele origin: germline. Affected: yes. Study: VKGL Data-share Consensus. Not counted in ClinVar's aggregate classification.

GeneReviews
No classification provided. Condition: Leukoencephalopathy with mild cerebellar ataxia and white matter edema. Review status: no classification provided. Collection method: literature only. Allele origin: germline. Affected: yes. Not counted in ClinVar's aggregate classification.

Literature cited by the submitters: PubMed 19191339 (cited by 4 submitters); PubMed 31928344 (cited by Mayo Clinic Laboratories, Mayo Clinic); NCBI Bookshelf NBK326661 (cited by GeneReviews).